The following is an entry in ClinVar:

ClinVar aggregate classification (germline): Uncertain significance (1 of 4 stars; one submission).

Conditions:
Inborn genetic diseases. Identifiers: MedGen C0950123, MeSH D030342.

Allele frequency attached by ClinVar (database versions not stated): TOPMed 0.00001.

Submission:

Ambry Genetics
Classification: Uncertain significance for Inborn genetic diseases. Last evaluated: 2023-03-22. Review status: criteria provided, single submitter. Criteria: Ambry Variant Classification Scheme 2023. Collection method: clinical testing. Allele origin: germline.
Comment: The p.R7W variant (also known as c.19C>T), located in coding exon 1 of the MDH2 gene, results from a C to T substitution at nucleotide position 19. The arginine at codon 7 is replaced by tryptophan, an amino acid with dissimilar properties. This amino acid position is conserved. In addition, this alteration is predicted to be tolerated by in silico analysis. Since supporting evidence is limited at this time, the clinical significance of this alteration remains unclear.

NM_005918.4(MDH2):c.19C>T (p.Arg7Trp)

Gene: MDH2 (malate dehydrogenase 2; plus strand). Cytogenetic location: 7q11.23.
Variant type: single nucleotide variant.
Coding change: c.19C>T on transcript NM_005918.4 (MANE Select); coding-DNA position 19, C replaced by T.
Protein change: p.Arg7Trp; replaces arginine 7 with tryptophan.
Molecular consequence: missense variant. On other transcripts: 5 prime UTR variant (1), non-coding transcript variant (1).
Genome position (GRCh38, 1-based): chr7:76,048,179, C>T. VCF-style: chr7-76048179-C-T. GRCh37 (hg19) VCF-style: chr7-75677497-C-T.
Other names: c.19C>T, p.Arg7Trp (NM_001282403.2); c.-134C>T (NM_001282404.2); short protein forms R7W.
Identifiers: ClinVar variation 2560376 (VCV002560376.2), dbSNP rs1163245053, ClinGen allele CA367760044.